The following is an entry in ClinVar:

NM_003982.4(SLC7A7):c.656A>T (p.Glu219Val)

Gene: SLC7A7 (solute carrier family 7 member 7; minus strand). Cytogenetic location: 14q11.2.
Variant type: single nucleotide variant.
Coding change: c.656A>T on transcript NM_003982.4 (MANE Select); coding-DNA position 656, A replaced by T.
Protein change: p.Glu219Val; replaces glutamic acid 219 with valine.
Molecular consequence: missense variant.
Genome position (GRCh38, 1-based): chr14:22,778,907, T>A on the plus strand (A>T on the coding strand, the complement: SLC7A7 is on the minus strand). VCF-style: chr14-22778907-T-A. GRCh37 (hg19) VCF-style: chr14-23248116-T-A.
Other names: c.656A>T, p.Glu219Val (NM_001126105.3, NM_001126106.4); short protein forms E219V.
Identifiers: ClinVar variation 1954675 (VCV001954675.2), dbSNP rs1481349883, ClinGen allele CA388924107.
Genomic context (GRCh38, chr14:22,778,907, plus strand): 5'-TAGGAGAACAGAGCTGAGTACAGTGCCAGGGCAATGTCACCCACTGCAAATGATGAACCC[T>A]CAAAGGAATTCTCAAAATGAGTAGAGGCTCCTGGAACCCAAGAACATTGGAAGGCAGGGG-3'
Protein context (NP_003973.3, residues 209-229): GASTHFENSF[Glu219Val]GSSFAVGDIA

ClinVar aggregate classification (germline): Uncertain significance (1 of 4 stars; one submission).

Conditions:
Lysinuric protein intolerance (LPI). Identifiers: Orphanet 470, MedGen C0268647, MONDO:0009109, OMIM 222700.

Submission:

Labcorp Genetics (formerly Invitae), Labcorp
Classification: Uncertain significance for Lysinuric protein intolerance. Last evaluated: 2022-06-22. Review status: criteria provided, single submitter. Criteria: Invitae Variant Classification Sherloc (09022015). Collection method: clinical testing. Allele origin: germline.
Comment: This sequence change replaces glutamic acid, which is acidic and polar, with valine, which is neutral and non-polar, at codon 219 of the SLC7A7 protein (p.Glu219Val). This variant is not present in population databases (gnomAD no frequency). This variant has not been reported in the literature in individuals affected with SLC7A7-related conditions. Algorithms developed to predict the effect of missense changes on protein structure and function (SIFT, PolyPhen-2, Align-GVGD) all suggest that this variant is likely to be tolerated. Algorithms developed to predict the effect of sequence changes on RNA splicing suggest that this variant may create or strengthen a splice site. In summary, the available evidence is currently insufficient to determine the role of this variant in disease. Therefore, it has been classified as a Variant of Uncertain Significance.